The following is an entry in ClinVar:

NM_006060.6(IKZF1):c.1405G>C (p.Val469Leu)

Gene: IKZF1 (IKAROS family zinc finger 1; plus strand). Cytogenetic location: 7p12.2.
Variant type: single nucleotide variant.
Coding change: c.1405G>C on transcript NM_006060.6 (MANE Select); coding-DNA position 1405, G replaced by C.
Protein change: p.Val469Leu; replaces valine 469 with leucine.
Molecular consequence: missense variant.
Genome position (GRCh38, 1-based): chr7:50,400,472, G>C. VCF-style: chr7-50400472-G-C. GRCh37 (hg19) VCF-style: chr7-50468170-G-C.
Other names: c.976G>C, p.Val326Leu (NM_001291841.1, NM_001220771.2); c.946G>C, p.Val316Leu (NM_001291842.1); c.850G>C, p.Val284Leu (NM_001291843.1); c.820G>C, p.Val274Leu (NM_001291844.1); c.1465G>C, p.Val489Leu (NM_001410879.1); c.1279G>C, p.Val427Leu (NM_001220765.3, NM_001291837.2); c.1114G>C, p.Val372Leu (NM_001220767.2); c.1144G>C, p.Val382Leu (NM_001220768.2, NM_001291838.2); and 3 more; short protein forms V239L, V274L, V284L, V316L, V326L, V330L, V340L, V372L.
Identifiers: ClinVar variation 1710943 (VCV001710943.1), dbSNP rs750786723, ClinGen allele CA367525086.

ClinVar aggregate classification (germline): Uncertain significance (1 of 4 stars; one submission).

Conditions:
Acute lymphoid leukemia (ALL). Also called: Acute lymphoblastic leukemia; Acute lymphocytic leukemia; Leukemia, acute lymphoblastic, somatic; Lymphoblastic leukemia. Identifiers: Orphanet 513, MedGen C0023449, MONDO:0004967, OMIM 613065, HP:0006721.

Submission:

St. Jude Molecular Pathology, St. Jude Children's Research Hospital
Classification: Uncertain significance for Acute lymphoid leukemia. Last evaluated: 2022-09-21. Review status: criteria provided, single submitter. Criteria: St. Jude Assertion Criteria 2020. Collection method: clinical testing. Allele origin: germline.
Comment: The IKZF1 c.1405G>C (p.Val469Leu) missense change is absent in gnomAD v2.1.1. The in silico tool REVEL predicts a benign effect on protein function, but to our knowledge this prediction has not been confirmed by functional studies. To our knowledge, this variant has not been reported in individuals with acute lymphoblastic leukemia or immunodeficiency. In summary, the evidence currently available is insufficient to determine the clinical significance of this variant. It has therefore been classified as of uncertain significance.